The following is an entry in ClinVar:

ClinVar aggregate classification (germline): Likely benign (1 of 4 stars; one submission).

Submission:

CeGaT Center for Human Genetics Tuebingen
Classification: Likely benign. Last evaluated: 2024-03-01. Review status: criteria provided, single submitter. Criteria: CeGaT Center For Human Genetics Tuebingen Variant Classification Criteria Version 2. Collection method: clinical testing. Allele origin: germline. Affected: yes. Observed: 1 variant allele.
Comment: TTN: PM2:Supporting, BP4, BP7

NM_001267550.2(TTN):c.29103G>A (p.Val9701=)

Gene: TTN (titin; minus strand). Cytogenetic location: 2q31.2.
Variant type: single nucleotide variant.
Coding change: c.29103G>A on transcript NM_001267550.2 (MANE Select); coding-DNA position 29103, G replaced by A.
Protein change: p.Val9701=; no amino-acid change (valine 9701 retained).
Molecular consequence: synonymous variant. On other transcripts: intron variant (3).
Genome position (GRCh38, 1-based): chr2:178,706,893, C>T on the plus strand (G>A on the coding strand, the complement: TTN is on the minus strand). VCF-style: chr2-178706893-C-T. GRCh37 (hg19) VCF-style: chr2-179571620-C-T.
Other names: c.28152G>A, p.Val9384= (NM_001256850.1); c.25371G>A, p.Val8457= (NM_133378.4); c.13282+31189G>A (NM_003319.4); c.13858+31189G>A (NM_133437.4); c.13657+31189G>A (NM_133432.3).
Identifiers: ClinVar variation 3027371 (VCV003027371.22), dbSNP rs2475399348, ClinGen allele CA430135691.